The following is an entry in ClinVar:

NM_003579.4(RAD54L):c.2156T>C (p.Val719Ala)

Genes: LRRC41 (leucine rich repeat containing 41; minus strand), RAD54L (RAD54 like; plus strand). Cytogenetic location: 1p34.1.
Variant type: single nucleotide variant.
Coding change: c.2156T>C on transcript NM_003579.4 (MANE Select); coding-DNA position 2156, T replaced by C.
Protein change: p.Val719Ala; replaces valine 719 with alanine.
Molecular consequence: missense variant. On other transcripts: 3 prime UTR variant (1).
Genome position (GRCh38, 1-based): chr1:46,278,194, T>C. VCF-style: chr1-46278194-T-C. GRCh37 (hg19) VCF-style: chr1-46743866-T-C.
Other names: c.*671A>G (NM_006369.5); c.2156T>C, p.Val719Ala (NM_001142548.2); c.1616T>C, p.Val539Ala (NM_001370766.1); short protein forms V539A, V719A.
Identifiers: ClinVar variation 1786824 (VCV001786824.2), dbSNP rs2525732278, ClinGen allele CA340191354.

ClinVar aggregate classification (germline): Uncertain significance (1 of 4 stars; one submission).

Submission:

Ambry Genetics
Classification: Uncertain significance. Last evaluated: 2022-06-26. Review status: criteria provided, single submitter. Criteria: Ambry Variant Classification Scheme 2023. Collection method: clinical testing. Allele origin: germline.
Comment: The p.V719A variant (also known as c.2156T>C), located in coding exon 18 of the RAD54L gene, results from a T to C substitution at nucleotide position 2156. The valine at codon 719 is replaced by alanine, an amino acid with similar properties. This amino acid position is conserved. In addition, the in silico prediction for this alteration is inconclusive. Since supporting evidence is limited at this time, the clinical significance of this alteration remains unclear.